The following is an entry in ClinVar:

NM_001378454.1(ALMS1):c.11547+4C>T

Gene: ALMS1 (ALMS1 centrosome and basal body associated protein; plus strand). Cytogenetic location: 2p13.1.
Variant type: single nucleotide variant.
Coding change: c.11547+4C>T on transcript NM_001378454.1 (MANE Select); 4 bases into the intron after coding-DNA position 11547, C replaced by T.
Molecular consequence: intron variant.
Genome position (GRCh38, 1-based): chr2:73,573,428, C>T. VCF-style: chr2-73573428-C-T. GRCh37 (hg19) VCF-style: chr2-73800555-C-T.
Other names: c.11550+4C>T (NM_015120.4); c.11547+4C>T (NM_015120.4).
Identifiers: ClinVar variation 550502 (VCV000550502.7), dbSNP rs753353269, ClinGen allele CA1715220.

ClinVar aggregate classification (germline): Uncertain significance. Review status: criteria provided, single submitter (1 of 4 stars). 2 submissions from 2 submitters: Uncertain significance (1). 1 of the submissions does not count toward it. Last evaluated 2024-03-25.

Conditions:
Alstrom syndrome (ALMS). Identifiers: Orphanet 64, MedGen C0268425, MONDO:0008763, OMIM 203800.

Allele frequency attached by ClinVar (database versions not stated): gnomAD exomes below 0.00001 and 0.00001; ExAC 0.00001; TOPMed 0.00001.
gnomAD v4.1: 5 of 1,613,902 alleles (0.00031%); highest among the groups gnomAD compares: Non-Finnish European, 0.00042%; no homozygotes.

Submissions (2):

Labcorp Genetics (formerly Invitae), Labcorp
Classification: Uncertain significance for Alstrom syndrome. Last evaluated: 2024-03-25. Review status: criteria provided, single submitter. Criteria: Invitae Variant Classification Sherloc (09022015). Collection method: clinical testing. Allele origin: germline.
Comment: This sequence change falls in intron 16 of the ALMS1 gene. It does not directly change the encoded amino acid sequence of the ALMS1 protein. It affects a nucleotide within the consensus splice site. This variant is present in population databases (rs753353269, gnomAD 0.002%). This variant has not been reported in the literature in individuals affected with ALMS1-related conditions. ClinVar contains an entry for this variant (Variation ID: 550502). Variants that disrupt the consensus splice site are a relatively common cause of aberrant splicing (PMID: 17576681, 9536098). Algorithms developed to predict the effect of sequence changes on RNA splicing suggest that this variant is not likely to affect RNA splicing. In summary, the available evidence is currently insufficient to determine the role of this variant in disease. Therefore, it has been classified as a Variant of Uncertain Significance.

Counsyl
Classification: Uncertain significance for Alstrom syndrome. Last evaluated: 2017-01-30. Review status: no assertion criteria provided. Collection method: clinical testing. Allele origin: unknown. Not counted in ClinVar's aggregate classification.

Literature cited by the submitters: PubMed 17576681 (cited by Labcorp Genetics (formerly Invitae), Labcorp); PubMed 9536098 (cited by Labcorp Genetics (formerly Invitae), Labcorp).